The following is an entry in ClinVar:

ClinVar aggregate classification (germline): Uncertain significance. Review status: criteria provided, multiple submitters, no conflicts (2 of 4 stars). 3 submissions from 3 submitters: Uncertain significance (3). Last evaluated 2023-04-10.

Conditions:
Charcot-Marie-Tooth disease type 2E (CMT2E). Also called: CHARCOT-MARIE-TOOTH DISEASE, AXONAL, TYPE 2E; CHARCOT-MARIE-TOOTH NEUROPATHY, TYPE 2E. Identifiers: Orphanet 99939, MedGen C1843225, MONDO:0011894, OMIM 607684.

Submissions (3):

Labcorp Genetics (formerly Invitae), Labcorp
Classification: Uncertain significance for Charcot-Marie-Tooth disease type 2E. Last evaluated: 2023-04-10. Review status: criteria provided, single submitter. Criteria: Invitae Variant Classification Sherloc (09022015). Collection method: clinical testing. Allele origin: germline.
Comment: In summary, the available evidence is currently insufficient to determine the role of this variant in disease. Therefore, it has been classified as a Variant of Uncertain Significance. Experimental studies and prediction algorithms are not available or were not evaluated, and the functional significance of this variant is currently unknown. ClinVar contains an entry for this variant (Variation ID: 447760). This missense change has been observed in individual(s) with clinical features of Charot-Marie-Tooth (PMID: 32376792). Information on the frequency of this variant in the gnomAD database is not available, as this variant may be reported differently in the database. This sequence change replaces alanine, which is neutral and non-polar, with leucine, which is neutral and non-polar, at codon 491 of the NEFL protein (p.Ala491Leu).

GeneDx
Classification: Uncertain significance. Last evaluated: 2017-08-14. Review status: criteria provided, single submitter. Criteria: GeneDx Variant Classification (06012015). Collection method: clinical testing. Allele origin: germline. Affected: yes.
Comment: The c.1471_1472delGCinsTT variant in the NEFL gene has not been reported previously as a pathogenic variant nor as a benign variant, to our knowledge. The c.1471_1472delGCinsTT variant causes an in-frame substitution of Alanine 491 for a Leucine, denoted p.Ala491Leu. The c.1471_1472delGCinsTT variant is a semi-conservative amino acid substitution, which may impact secondary protein structure as these residues differ in some properties. This substitution occurs at a position that is not conserved. In silico analysis is inconsistent in its predictions as to whether or not the variant is damaging to the protein structure/function. The c.1471_1472delGCinsTT variant is not observed in large population cohorts (Lek et al., 2016; 1000 Genomes Consortium et al., 2015; Exome Variant Server). We interpret c.1471_1472delGCinsTT as a variant of uncertain significance.

Athena Diagnostics
Classification: Uncertain significance. Last evaluated: 2017-02-03. Review status: criteria provided, single submitter. Criteria: Athena Diagnostics Criteria. Collection method: clinical testing. Allele origin: germline.

Literature cited by the submitters: PubMed 32376792 (cited by Labcorp Genetics (formerly Invitae), Labcorp).

NM_006158.5(NEFL):c.1471_1472delinsTT (p.Ala491Leu)

Gene: NEFL (neurofilament light chain; minus strand). Cytogenetic location: 8p21.2.
Variant type: Indel.
Coding change: c.1471_1472delinsTT on transcript NM_006158.5 (MANE Select); coding-DNA positions 1471 to 1472, GC replaced by TT.
Protein change: p.Ala491Leu; replaces alanine 491 with leucine.
Molecular consequence: missense variant.
Genome position (GRCh38, 1-based): chr8:24,953,493-24,953,494, GC replaced by AA on the plus strand (GC replaced by TT on the coding strand, the reverse complement: NEFL is on the minus strand). VCF-style: chr8-24953493-GC-AA. GRCh37 (hg19) VCF-style: chr8-24811006-GC-AA.
Other names: short protein forms A491L.
Identifiers: ClinVar variation 447760 (VCV000447760.4), dbSNP rs1554497315, ClinGen allele CA658657749.
Genomic context (GRCh38, chr8:24,953,493, plus strand): 5'-CCCAGTTTACACTTGAAGTTGCAGGGGTTTTTTCTTATCATACCTTCTTCCTCTTCAGCT[GC>AA]CTCCTCTTCCTCGGCCTCTTCCTTGTCCTTCTCCTCCTCCTCGGCTTCTCCTTCAGAGGG-3'
Protein context (NP_006149.2, residues 481-501): KDKEEAEEEE[Ala491Leu]AEEEEAAKEE